The following is an entry in ClinVar:

ClinVar aggregate classification (germline): Likely pathogenic (1 of 4 stars; one submission).

Conditions:
Autosomal recessive limb-girdle muscular dystrophy type 2A (LGMDR1). Also called: LEYDEN-MOEBIUS MUSCULAR DYSTROPHY; MUSCULAR DYSTROPHY, PELVOFEMORAL; Calpainopathy; Limb-girdle muscular dystrophy, type 2A; Muscular dystrophy, limb-girdle, type 2A, Amish. Identifiers: Orphanet 267, MedGen C1869123, MONDO:0009675, OMIM 253600. Disease mechanism: loss of function.

Submission:

Foundation for Research in Genetics and Endocrinology, FRIGE's Institute of Human Genetics
Classification: Likely pathogenic for Autosomal recessive limb-girdle muscular dystrophy type 2A. Last evaluated: 2022-09-02. Review status: criteria provided, single submitter. Criteria: ACMG Guidelines, 2015. Collection method: clinical testing. Allele origin: germline. Inheritance: Autosomal recessive inheritance. Affected: yes. Observed: 1 homozygote.
Comment: On in silico CNV analysis, a deletion of size (~2.94 kb), spanning genomic location chr15:g.(42408325_42409302)_(42412214_?)del that encompasses exons 17 to 24 of the CAPN3 gene (ENST00000397163.8) was detected. The coverage and depth of these regions are sufficiently targeted in this assay and hence, the results are likely to be suggestive of homozygous deletion of this region. Exon deletions in the CAPN3 gene have previously been reported in patients affected with limb-girdle muscular dystrophy.

NM_000070.3:g.(42408325_42409302)_(42412214_?)del

Gene: CAPN3 (calpain 3; plus strand).
Variant type: Deletion.
Identifiers: ClinVar variation 1801508 (VCV001801508.3).